The following is an entry in ClinVar:

NM_000525.4(KCNJ11):c.-135_-134insCT

Gene: KCNJ11 (potassium inwardly rectifying channel subfamily J member 11; minus strand). Cytogenetic location: 11p15.1.
Variant type: Insertion.
Coding change: c.-135_-134insCT on transcript NM_000525.4 (MANE Select); 135 bases upstream of the start codon through 134 bases upstream of the start codon, CT inserted.
Molecular consequence: 5 prime UTR variant. On other transcripts: intron variant (3).
Genome position: GRCh38 VCF-style: chr11-17388225-C-CAG. GRCh37 (hg19) VCF-style: chr11-17409772-C-CAG.
Other names: c.-16-380_-16-379insCT (NM_001166290.2, NM_001377297.1); c.-75-150_-75-149insCT (NM_001377296.1).
Identifiers: ClinVar variation 550508 (VCV000550508.3), dbSNP rs1554901983, ClinGen allele CA658822457.

ClinVar aggregate classification (germline): Uncertain significance. Review status: criteria provided, single submitter (1 of 4 stars). 2 submissions from 2 submitters: Uncertain significance (1). 1 of the submissions does not count toward it.

Conditions:
Diabetes mellitus, transient neonatal, 3 (TNDM3). Identifiers: Orphanet 99886, MedGen C1864623, MONDO:0012522, OMIM 610582. Disease mechanism: loss of function.
Hyperinsulinemic hypoglycemia, familial, 2. Also called: HYPERINSULINEMIC HYPOGLYCEMIA, PERSISTENT; HYPERINSULINISM, NEONATAL. Identifiers: Orphanet 276580, Orphanet 276603, MedGen C2931833, MONDO:0011153, OMIM 601820. Disease mechanism: loss of function.
Permanent neonatal diabetes mellitus 1. Also called: GCK-Related Permanent Neonatal Diabetes Mellitus. Identifiers: MedGen C5393570, MONDO:0100165, OMIM 606176.
Maturity-onset diabetes of the young (MODY). Also called: Maturity onset diabetes mellitus in young. Identifiers: Orphanet 552, MedGen C0342276, MONDO:0018911, HP:0004904.

Allele frequency attached by ClinVar (database versions not stated): TOPMed below 0.00001.

Submissions (2):

Clinical Genomics, Uppaluri K&H Personalized Medicine Clinic
Classification: Uncertain significance for Maturity-onset diabetes of the young. Review status: criteria provided, single submitter. Criteria: K&H Uppaluri Personalized Medicine Clinic Variant Classification & Assertion Criteria. Collection method: research. Allele origin: somatic. Inheritance: Autosomal dominant inheritance.
Comment: Mutations in KCNJ11 gene can cause decreased production and secretion of insulin. This can lead to MODY which may be responsive to oral sulfonylureas. It is also associated with Neonatal Diabetes. However, no sufficient evidence is found to ascertain the role of rs1554901983 variant in MODY yet.

Counsyl
Classification: Uncertain significance for Hyperinsulinemic hypoglycemia, familial, 2; Permanent neonatal diabetes mellitus 1; Diabetes mellitus, transient neonatal, 3. Last evaluated: 2017-01-26. Review status: no assertion criteria provided. Collection method: clinical testing. Allele origin: unknown. Not counted in ClinVar's aggregate classification.

Literature cited by the submitters: PubMed 26448950 (cited by Clinical Genomics, Uppaluri K&H Personalized Medicine Clinic); PubMed 15580558 (cited by Clinical Genomics, Uppaluri K&H Personalized Medicine Clinic); PubMed 15718250 (cited by Clinical Genomics, Uppaluri K&H Personalized Medicine Clinic).